The following is an entry in ClinVar:

ClinVar aggregate classification (germline): Uncertain significance. Review status: criteria provided, multiple submitters, no conflicts (2 of 4 stars). 2 submissions from 2 submitters: Uncertain significance (2). Last evaluated 2026-08-12.

Conditions:
NCOA1-related disorder. Also called: NCOA1-related condition.

Allele frequency attached by ClinVar (database versions not stated): gnomAD 0.00002; TOPMed 0.00002; ExAC 0.00003.
gnomAD v4.1: 33 of 1,614,098 alleles (0.002%); highest among the groups gnomAD compares: Non-Finnish European, 0.0026%; no homozygotes.

Submissions (2):

PreventionGenetics, part of Exact Sciences
Classification: Uncertain significance for NCOA1-related condition. Last evaluated: 2026-08-12. Review status: criteria provided, single submitter. Criteria: ACMG Guidelines, 2015. Collection method: clinical testing. Allele origin: germline.
Comment: The NCOA1 c.1490T>C variant is predicted to result in the amino acid substitution p.Leu497Ser. To our knowledge, this variant has not been reported in the literature. This variant is reported in 0.0054% of alleles in individuals of European (Non-Finnish) descent in gnomAD. At this time, the clinical significance of this variant is uncertain due to the absence of conclusive functional and genetic evidence.

Ambry Genetics
Classification: Uncertain significance. Last evaluated: 2024-12-04. Review status: criteria provided, single submitter. Criteria: Ambry Variant Classification Scheme 2023. Collection method: clinical testing. Allele origin: germline.

NM_003743.5(NCOA1):c.1490T>C (p.Leu497Ser)

Gene: NCOA1 (nuclear receptor coactivator 1; plus strand). Cytogenetic location: 2p23.3.
Variant type: single nucleotide variant.
Coding change: c.1490T>C on transcript NM_003743.5 (MANE Select); coding-DNA position 1490, T replaced by C.
Protein change: p.Leu497Ser; replaces leucine 497 with serine.
Molecular consequence: missense variant.
Genome position (GRCh38, 1-based): chr2:24,706,960, T>C. VCF-style: chr2-24706960-T-C. GRCh37 (hg19) VCF-style: chr2-24929829-T-C.
Other names: c.1490T>C, p.Leu497Ser (NM_001362950.1, NM_001362952.1, NM_001362954.1 and 3 more transcripts); short protein forms L497S.
Identifiers: ClinVar variation 2630342 (VCV002630342.4), dbSNP rs766565729, ClinGen allele CA1552265.